The following is an entry in ClinVar:

ClinVar aggregate classification (germline): Uncertain significance. Review status: criteria provided, multiple submitters, no conflicts (2 of 4 stars). 3 submissions from 3 submitters: Uncertain significance (3). Last evaluated 2024-02-06.

Conditions:
Global developmental delay - lung cysts - overgrowth - Wilms tumor syndrome. Also called: GLOBAL DEVELOPMENTAL DELAY, LUNG CYSTS, OVERGROWTH, AND WILMS TUMOR; GLOW Syndrome. Identifiers: Orphanet 404476, MedGen C4748924, MONDO:0018445, OMIM 618272.
Hereditary cancer-predisposing syndrome. Also called: Neoplastic Syndromes, Hereditary; Hereditary neoplastic syndrome; Tumor predisposition; Hereditary Cancer Syndrome. Identifiers: Orphanet 140162, MedGen C0027672, MeSH D009386, MONDO:0015356.
DICER1-related tumor predisposition. Also called: DICER1-related pleuropulmonary blastoma cancer predisposition syndrome; DICER1 syndrome. Identifiers: Orphanet 284343, MedGen C3839822, MONDO:0100216.

Allele frequency attached by ClinVar (database versions not stated): gnomAD exomes below 0.00001; gnomAD 0.00001.

Submissions (3):

Ambry Genetics
Classification: Uncertain significance for Hereditary cancer-predisposing syndrome. Last evaluated: 2024-02-06. Review status: criteria provided, single submitter. Criteria: Ambry Variant Classification Scheme 2023. Collection method: clinical testing. Allele origin: germline.
Comment: The p.P683S variant (also known as c.2047C>T), located in coding exon 12 of the DICER1 gene, results from a C to T substitution at nucleotide position 2047. The proline at codon 683 is replaced by serine, an amino acid with similar properties. This amino acid position is conserved. In addition, this alteration is predicted to be tolerated by in silico analysis. Based on the available evidence, the clinical significance of this alteration remains unclear.

Baylor Genetics
Classification: Uncertain significance for Global developmental delay - lung cysts - overgrowth - Wilms tumor syndrome. Last evaluated: 2023-10-13. Review status: criteria provided, single submitter. Criteria: ACMG Guidelines, 2015. Collection method: clinical testing. Allele origin: unknown.

Labcorp Genetics (formerly Invitae), Labcorp
Classification: Uncertain significance for DICER1-related tumor predisposition. Last evaluated: 2023-08-17. Review status: criteria provided, single submitter. Criteria: Invitae Variant Classification Sherloc (09022015). Collection method: clinical testing. Allele origin: germline.
Comment: This sequence change replaces proline, which is neutral and non-polar, with serine, which is neutral and polar, at codon 683 of the DICER1 protein (p.Pro683Ser). This variant is not present in population databases (gnomAD no frequency). This variant has not been reported in the literature in individuals affected with DICER1-related conditions. ClinVar contains an entry for this variant (Variation ID: 839174). Advanced modeling of protein sequence and biophysical properties (such as structural, functional, and spatial information, amino acid conservation, physicochemical variation, residue mobility, and thermodynamic stability) performed at Invitae indicates that this missense variant is not expected to disrupt DICER1 protein function. In summary, the available evidence is currently insufficient to determine the role of this variant in disease. Therefore, it has been classified as a Variant of Uncertain Significance.

NM_177438.3(DICER1):c.2047C>T (p.Pro683Ser)

Gene: DICER1 (dicer 1, ribonuclease III; minus strand). Cytogenetic location: 14q32.13.
Variant type: single nucleotide variant.
Coding change: c.2047C>T on transcript NM_177438.3 (MANE Select); coding-DNA position 2047, C replaced by T.
Protein change: p.Pro683Ser; replaces proline 683 with serine.
Molecular consequence: missense variant.
Genome position (GRCh38, 1-based): chr14:95,112,241, G>A on the plus strand (C>T on the coding strand, the complement: DICER1 is on the minus strand). VCF-style: chr14-95112241-G-A. GRCh37 (hg19) VCF-style: chr14-95578578-G-A.
Other names: c.2047C>T, p.Pro683Ser (NM_001195573.1, NM_001271282.3, NM_001291628.2 and 1 more transcripts); short protein forms P683S.
Identifiers: ClinVar variation 839174 (VCV000839174.12), dbSNP rs1892040471, ClinGen allele CA390883132.